The following is an entry in ClinVar:

ClinVar aggregate classification (germline): Uncertain significance (1 of 4 stars; one submission).

Conditions:
Cardiovascular phenotype. Identifiers: MedGen CN230736.

Submission:

Ambry Genetics
Classification: Uncertain significance for Cardiovascular phenotype. Last evaluated: 2025-06-07. Review status: criteria provided, single submitter. Criteria: Ambry Variant Classification Scheme 2023. Collection method: clinical testing. Allele origin: germline.
Comment: The p.G1123V variant (also known as c.3368G>T), located in coding exon 8 of the HCN4 gene, results from a G to T substitution at nucleotide position 3368. The glycine at codon 1123 is replaced by valine, an amino acid with dissimilar properties. This amino acid position is conserved. In addition, this alteration is predicted to be tolerated by in silico analysis. Based on the available evidence, the clinical significance of this variant remains unclear.

NM_005477.3(HCN4):c.3368G>T (p.Gly1123Val)

Gene: HCN4 (hyperpolarization activated cyclic nucleotide gated potassium channel 4; minus strand). Cytogenetic location: 15q24.1.
Variant type: single nucleotide variant.
Coding change: c.3368G>T on transcript NM_005477.3 (MANE Select); coding-DNA position 3368, G replaced by T.
Protein change: p.Gly1123Val; replaces glycine 1123 with valine.
Molecular consequence: missense variant.
Genome position (GRCh38, 1-based): chr15:73,322,725, C>A on the plus strand (G>T on the coding strand, the complement: HCN4 is on the minus strand). VCF-style: chr15-73322725-C-A. GRCh37 (hg19) VCF-style: chr15-73615066-C-A.
Other names: short protein forms G1123V.
Identifiers: ClinVar variation 4034019 (VCV004034019.1).